The following is an entry in ClinVar:

ClinVar aggregate classification (germline): Uncertain significance. Review status: criteria provided, multiple submitters, no conflicts (2 of 4 stars). 2 submissions from 2 submitters: Uncertain significance (2). Last evaluated 2022-05-22.

Conditions:
Polycystic kidney disease 2 (PKD2). Also called: Polycystic Kidney Disease 2, Autosomal Dominant; POLYCYSTIC KIDNEY DISEASE 2 WITH OR WITHOUT POLYCYSTIC LIVER DISEASE; POLYCYSTIC KIDNEY DISEASE, ADULT, TYPE II. Identifiers: MedGen C2751306, MONDO:0013131, OMIM 613095.
Autosomal dominant polycystic kidney disease. Identifiers: Orphanet 730, MedGen C0085413, MONDO:0004691.

Allele frequency attached by ClinVar (database versions not stated): gnomAD exomes 0.00001; TOPMed 0.00001; ExAC 0.00002; ESP Exome Variant Server 0.00008.
gnomAD v4.1: 13 of 1,593,548 alleles (0.00082%); highest among the groups gnomAD compares: South Asian, 0.0011%; no homozygotes.

Submissions (2):

3billion
Classification: Uncertain significance for Polycystic kidney disease 2. Last evaluated: 2022-05-22. Review status: criteria provided, single submitter. Criteria: ACMG Guidelines, 2015. Collection method: clinical testing. Allele origin: germline. Affected: yes. Observed: 1 heterozygote.
Comment: The variant is observed at an extremely low frequency in the gnomAD v2.1.1 dataset (total allele frequency: <0.001%). Protein truncation variants are a common disease-causing mechanism. Therefore, this variant is classified as uncertain significanceaccording to the recommendation of ACMG/AMP guideline.

Labcorp Genetics (formerly Invitae), Labcorp
Classification: Uncertain significance for Autosomal dominant polycystic kidney disease. Last evaluated: 2021-11-12. Review status: criteria provided, single submitter. Criteria: Invitae Variant Classification Sherloc (09022015). Collection method: clinical testing. Allele origin: germline.
Comment: In summary, the available evidence is currently insufficient to determine the role of this variant in disease. Therefore, it has been classified as a Variant of Uncertain Significance. Algorithms developed to predict the effect of missense changes on protein structure and function are either unavailable or do not agree on the potential impact of this missense change (SIFT: "Deleterious"; PolyPhen-2: "Benign"; Align-GVGD: "Class C35"). This variant has not been reported in the literature in individuals affected with PKD2-related conditions. This variant is present in population databases (rs137929700, gnomAD 0.003%). This sequence change replaces isoleucine, which is neutral and non-polar, with threonine, which is neutral and polar, at codon 644 of the PKD2 protein (p.Ile644Thr).

NM_000297.4(PKD2):c.1931T>C (p.Ile644Thr)

Gene: PKD2 (polycystin 2, transient receptor potential cation channel; plus strand). Cytogenetic location: 4q22.1.
Variant type: single nucleotide variant.
Coding change: c.1931T>C on transcript NM_000297.4 (MANE Select); coding-DNA position 1931, T replaced by C.
Protein change: p.Ile644Thr; replaces isoleucine 644 with threonine.
Molecular consequence: missense variant.
Genome position (GRCh38, 1-based): chr4:88,058,015, T>C. VCF-style: chr4-88058015-T-C. GRCh37 (hg19) VCF-style: chr4-88979167-T-C.
Other names: short protein forms I644T.
Identifiers: ClinVar variation 1406344 (VCV001406344.9), dbSNP rs137929700, ClinGen allele CA3004090.